The following is an entry in ClinVar:

ClinVar aggregate classification (germline): Conflicting classifications of pathogenicity. Review status: criteria provided, conflicting classifications (1 of 4 stars). 3 submissions from 3 submitters: Uncertain significance (2); Likely benign (1). Last evaluated 2025-01-13.

Allele frequency attached by ClinVar (database versions not stated): gnomAD 0.00001.
gnomAD v4.1: 2 of 1,613,922 alleles (0.00012%); highest among the groups gnomAD compares: African/African-American, 0.0013%; no homozygotes.

Submissions (3):

ARUP Laboratories, Molecular Genetics and Genomics, ARUP Laboratories
Classification: Likely benign. Last evaluated: 2025-01-13. Review status: criteria provided, single submitter. Criteria: ARUP Molecular Germline Variant Investigation Process 2024. Collection method: clinical testing. Allele origin: germline.
Comment: The Hb P-Galveston variant (HBB c.353A>G; p.His118Arg, also known as His117Arg when numbered from the mature protein, rs33935673, ClinVar Variation ID: 36324, HbVar ID: 497), has been reported in two related individuals in a family, where it was found in-trans with a beta-0 thalassemia variant (Di Iorio 1975). It has also been reported in two siblings in another family, where it was found in-trans with Hb C (Huisman 1978). In both families, the Hb P-Galveston did not associate with clinical symptoms, whether in a heterozygous state or in-trans with a pathogenic beta globin variant (Di Iorio 1975, Huisman 1978, HbVar database and references therein). The variant hemoglobin is stable and has similar biochemical properties as HbA (HbVar database). This variant is absent from the Genome Aggregation Database (v2.1.1), indicating it is not a common polymorphism. Computational analyses are uncertain whether this variant is neutral or deleterious (REVEL: 0.558). Based on the above information, the variant is considered likely benign. References: Link to HbVar database: Di Iorio EE et al. A Swiss family with hemoglobin P Galveston beta117His leads to Arg, including two patients with hb P/beta thalassemia. Blut. 1975 Aug;31(2):61-8. PMID: 1164567. Huisman TH. The hemoglobin P-Galveston-Hb-C conduction in members of a black family from South Carolina. FEBS Lett. 1978 Oct 1;94(1):68-72. PMID: 700140.

Women's Health and Genetics/Laboratory Corporation of America, LabCorp
Classification: Uncertain significance. Last evaluated: 2024-11-08. Review status: criteria provided, single submitter. Criteria: LabCorp Variant Classification Summary - May 2015. Collection method: clinical testing. Allele origin: germline.
Comment: Variant summary: HBB c.353A>G (p.His118Arg) results in a non-conservative amino acid change located in the Globin domain (IPR000971) of the encoded protein sequence. Three of five in-silico tools predict a benign effect of the variant on protein function. The variant was absent in 251276 control chromosomes. The available data on variant occurrences in the general population are insufficient to allow any conclusion about variant significance. c.353A>G has been reported in multiple individuals heterozygously and in compound heterozygosity with HbC or HbS and beta-thal variants. Compound hets patients showed minimal to no clinical features and hematological values were compared to b-thal, HbC or HbS carriers (Di Iorio_HBB_Blut_1975, Huisman_HBB_Febbs Lett_1978). At least one functional study showed that HbP does not differ significantly from WT (Hb A) with regard to oxygen affinity or stability (Di Iorio_HBB_Blut_1975). The following publications have been ascertained in the context of this evaluation (PMID: 20395516, 1164567, 6859036, 700140, 10870891, 11694258, 12386379, 14109943, 8330975). ClinVar contains an entry for this variant (Variation ID: 36324). Based on the evidence outlined above, the variant was classified as VUS-possibly benign.

Quest Diagnostics Nichols Institute San Juan Capistrano
Classification: Uncertain significance. Last evaluated: 2023-08-21. Review status: criteria provided, single submitter. Criteria: Quest Diagnostics criteria. Collection method: clinical testing. Allele origin: unknown.
Comment: The HBB c.353A>G (p.His118Arg) variant has been reported in the published literature in heterozygous individuals or compound heterozygous with Hb C, as having normal to minimal clinical presentations (PMIDs: 1164567 (1975), 700140 (1978), and 6859036 (1983)). Additionally, it is reported as having normal stability and a minimally increased oxygen affinity. The frequency of this variant in the general population, 0.0000066 (1/152112 chromosomes (Genome Aggregation Database)), is uninformative in the assessment of its pathogenicity. Analysis of this variant using bioinformatics tools for the prediction of the effect of amino acid changes on protein structure and function yielded conflicting predictions that this variant is deleterious or benign. Based on the available information, we are unable to determine the clinical significance of this variant.

Literature cited by the submitters: PubMed 700140 (cited by Women's Health and Genetics/Laboratory Corporation of America, LabCorp and Quest Diagnostics Nichols Institute San Juan Capistrano); PubMed 1164567 (cited by Women's Health and Genetics/Laboratory Corporation of America, LabCorp and Quest Diagnostics Nichols Institute San Juan Capistrano); PubMed 20395516 (cited by Women's Health and Genetics/Laboratory Corporation of America, LabCorp and Quest Diagnostics Nichols Institute San Juan Capistrano); PubMed 10870891 (cited by Women's Health and Genetics/Laboratory Corporation of America, LabCorp and Quest Diagnostics Nichols Institute San Juan Capistrano); PubMed 12386379 (cited by Women's Health and Genetics/Laboratory Corporation of America, LabCorp); PubMed 14109943 (cited by Women's Health and Genetics/Laboratory Corporation of America, LabCorp and Quest Diagnostics Nichols Institute San Juan Capistrano); PubMed 8330975 (cited by Women's Health and Genetics/Laboratory Corporation of America, LabCorp and Quest Diagnostics Nichols Institute San Juan Capistrano); PubMed 6859036 (cited by Women's Health and Genetics/Laboratory Corporation of America, LabCorp and Quest Diagnostics Nichols Institute San Juan Capistrano); PubMed 11694258 (cited by Women's Health and Genetics/Laboratory Corporation of America, LabCorp and Quest Diagnostics Nichols Institute San Juan Capistrano); PubMed 19429541 (cited by Quest Diagnostics Nichols Institute San Juan Capistrano).

NM_000518.5(HBB):c.353A>G (p.His118Arg)

Genes: HBB (hemoglobin subunit beta; minus strand), LOC107133510 (origin of replication at HBB; plus strand), LOC110006319 (beta-globin gene 3' regulatory region; plus strand). Cytogenetic location: 11p15.4.
Variant type: single nucleotide variant.
Coding change: c.353A>G on transcript NM_000518.5 (MANE Select); coding-DNA position 353, A replaced by G.
Protein change: p.His118Arg; replaces histidine 118 with arginine.
Molecular consequence: missense variant.
Genome position (GRCh38, 1-based): chr11:5,225,689, T>C on the plus strand (A>G on the coding strand, the complement: HBB is on the minus strand). VCF-style: chr11-5225689-T-C. GRCh37 (hg19) VCF-style: chr11-5246919-T-C.
Other names: short protein forms H118R.
Identifiers: ClinVar variation 36324 (VCV000036324.13), dbSNP rs33935673, ClinGen allele CA342868.